The following is an entry in ClinVar:

ClinVar aggregate classification (germline): Pathogenic (1 of 4 stars; one submission).

Submission:

Athena Diagnostics
Classification: Pathogenic. Last evaluated: 2023-03-31. Review status: criteria provided, single submitter. Criteria: Athena Diagnostics Criteria. Collection method: clinical testing. Allele origin: unknown.
Comment: This variant is expected to severely impact normal RNA splicing, and consequently, protein structure and/or function. This variant has been identified in at least one individual with clinical features associated with this gene. This variant has not been reported in large, multi-ethnic general populations.

NM_001110556.2(FLNA):c.623-2A>G

Gene: FLNA (filamin A; minus strand). Cytogenetic location: Xq28.
Variant type: single nucleotide variant.
Coding change: c.623-2A>G on transcript NM_001110556.2 (MANE Select); the canonical splice acceptor site of the intron before coding-DNA position 623, A replaced by G.
Molecular consequence: splice acceptor variant.
Genome position (GRCh38, 1-based): chrX:154,367,740, T>C on the plus strand (A>G on the coding strand, the complement: FLNA is on the minus strand). VCF-style: chrX-154367740-T-C. GRCh37 (hg19) VCF-style: chrX-153596108-T-C.
Other names: c.623-2A>G (NM_001456.4).
Identifiers: ClinVar variation 2684194 (VCV002684194.1), dbSNP rs111481417, ClinGen allele CA337284275.